The following is an entry in ClinVar:

NC_000012.11:g.(124189236_124191272)_(124192951_?)del

Gene: TCTN2 (tectonic family member 2; plus strand). Cytogenetic location: 12q24.31.
Variant type: Deletion.
Identifiers: ClinVar variation 2445946 (VCV002445946.1).

ClinVar aggregate classification (germline): Likely pathogenic (1 of 4 stars; one submission).

Conditions:
Joubert syndrome and related disorders. Identifiers: Orphanet 140874, MedGen C5679612, MONDO:0015369.

Submission:

Women's Health and Genetics/Laboratory Corporation of America, LabCorp
Classification: Likely pathogenic for Joubert syndrome and related disorders. Last evaluated: 2023-02-22. Review status: criteria provided, single submitter. Criteria: LabCorp Variant Classification Summary - May 2015. Collection method: clinical testing. Allele origin: germline.
Comment: Variant summary: The variant identified by MLPA or other technology involves the deletion of exons 16-18, which are the last three exons of the TCTN2 gene. The exact breakpoint at the 3' end of this variant is unknown and therefore this deletion might extend beyond the assayed region of the TCTN2 gene. A presumed nomenclature of c.(1769+1_1770-1)_(*691_?)del has been designated for the purposes of this classification. Since the exact breakpoints of this deletion are not known, it is not possible to predict the protein level effect of this deletion. The variant was absent in 21692 control chromosomes (gnomAD Structural Variants dataset). To our knowledge, no occurrence of c.(1769+1_1770-1)_(*691_?)del in individuals affected with Joubert Syndrome And Related Disorders and no experimental evidence demonstrating its impact on protein function have been reported. No clinical diagnostic laboratories have submitted clinical-significance assessments for this variant to ClinVar after 2014. Based on the evidence outlined above, the variant was classified as likely pathogenic.